The following is an entry in ClinVar:

NM_016107.5(ZFR):c.2578A>G (p.Lys860Glu)

Gene: ZFR (zinc finger RNA binding protein; minus strand). Cytogenetic location: 5p13.3.
Variant type: single nucleotide variant.
Coding change: c.2578A>G on transcript NM_016107.5 (MANE Select); coding-DNA position 2578, A replaced by G.
Protein change: p.Lys860Glu; replaces lysine 860 with glutamic acid.
Molecular consequence: missense variant. On other transcripts: non-coding transcript variant (1).
Genome position (GRCh38, 1-based): chr5:32,385,571, T>C on the plus strand (A>G on the coding strand, the complement: ZFR is on the minus strand). VCF-style: chr5-32385571-T-C. GRCh37 (hg19) VCF-style: chr5-32385677-T-C.
Other names: short protein forms K860E.
Identifiers: ClinVar variation 2910956 (VCV002910956.3), dbSNP rs911901109, ClinGen allele CA116775581.

ClinVar aggregate classification (germline): Uncertain significance (1 of 4 stars; one submission).

Conditions:
Pure or complex autosomal recessive spastic paraplegia. Identifiers: Orphanet 320346, MedGen C5679887, MONDO:0017915.

Allele frequency attached by ClinVar (database versions not stated): gnomAD 0.00001.
gnomAD v4.1: 3 of 1,613,488 alleles (0.00019%); highest among the groups gnomAD compares: Admixed American, 0.0033%; no homozygotes.

Submission:

Labcorp Genetics (formerly Invitae), Labcorp
Classification: Uncertain significance for Pure or complex autosomal recessive spastic paraplegia. Last evaluated: 2023-10-13. Review status: criteria provided, single submitter. Criteria: Invitae Variant Classification Sherloc (09022015). Collection method: clinical testing. Allele origin: germline.
Comment: This sequence change replaces lysine, which is basic and polar, with glutamic acid, which is acidic and polar, at codon 860 of the ZFR protein (p.Lys860Glu). This variant is present in population databases (no rsID available, gnomAD 0.003%). This variant has not been reported in the literature in individuals affected with ZFR-related conditions. Experimental studies and prediction algorithms are not available or were not evaluated, and the functional significance of this variant is currently unknown. In summary, the available evidence is currently insufficient to determine the role of this variant in disease. Therefore, it has been classified as a Variant of Uncertain Significance.